The following is an entry in ClinVar:

ClinVar aggregate classification (germline): Conflicting classifications of pathogenicity. Review status: criteria provided, conflicting classifications (1 of 4 stars). 17 submissions from 13 submitters: Uncertain significance (1); Benign (8); Likely benign (5). 3 of the submissions do not count toward it. Last evaluated 2026-02-04.

Conditions:
Cardiovascular phenotype. Identifiers: MedGen CN230736.
Autosomal recessive limb-girdle muscular dystrophy type 2J (LGMDR10). Also called: Limb-girdle muscular dystrophy, type 2J; MUSCULAR DYSTROPHY, LIMB-GIRDLE, AUTOSOMAL RECESSIVE 10. Identifiers: Orphanet 140922, MedGen C1837342, MONDO:0012127, OMIM 608807.
Dilated cardiomyopathy 1G (CMD1G). Identifiers: Orphanet 154, MedGen C1858763, MONDO:0011400, OMIM 604145.
Cardiomyopathy (CMYO). Also called: Cardiomyopathies. Identifiers: Orphanet 167848, MedGen C0878544, MONDO:0004994, HP:0001638. Inheritance: Various modes of inheritance.
Early-onset myopathy with fatal cardiomyopathy (CMYO5). Also called: Salih Myopathy; CONGENITAL MYOPATHY 5 WITH CARDIOMYOPATHY. Identifiers: Orphanet 289377, MedGen C2673677, MONDO:0012714, OMIM 611705. Disease mechanism: loss of function.
Myopathy, myofibrillar, 9, with early respiratory failure (MFM9). Also called: EDSTROM MYOPATHY; MYOPATHY, PROXIMAL, WITH EARLY RESPIRATORY MUSCLE INVOLVEMENT; Hereditary myopathy with early respiratory failure; Myopathy, distal, with early respiratory failure, autosomal dominant. Identifiers: Orphanet 178464, Orphanet 34521, MedGen C1863599, MONDO:0011362, OMIM 603689.
Tibial muscular dystrophy (TMD). Also called: Udd Distal Myopathy – Tibial Muscular Dystrophy; UDD MYOPATHY; Tibial muscular dystrophy, tardive. Identifiers: Orphanet 609, MedGen C1838244, MONDO:0010870, OMIM 600334.

Allele frequency attached by ClinVar (database versions not stated): gnomAD exomes 0.00019 and 0.00088; gnomAD 0.00053 and 0.00058; TOPMed 0.00062; ExAC 0.00082; 1000 Genomes Project 30x 0.00234; 1000 Genomes Project 0.00240.
gnomAD v4.1: 544 of 1,611,826 alleles (0.034%); highest among the groups gnomAD compares: East Asian, 0.67%; 10 homozygotes.

Submissions (17):

Labcorp Genetics (formerly Invitae), Labcorp
Classification: Benign for Dilated cardiomyopathy 1G; Autosomal recessive limb-girdle muscular dystrophy type 2J. Last evaluated: 2026-02-04. Review status: criteria provided, single submitter. Criteria: Invitae Variant Classification Sherloc (09022015). Collection method: clinical testing. Allele origin: germline.

Blueprint Genetics
Classification: Likely benign. Last evaluated: 2024-11-25. Review status: criteria provided, single submitter. Criteria: ACMG Guidelines, 2015. Collection method: clinical testing. Allele origin: germline.

Women's Health and Genetics/Laboratory Corporation of America, LabCorp
Classification: Likely benign. Last evaluated: 2022-10-22. Review status: criteria provided, single submitter. Criteria: LabCorp Variant Classification Summary - May 2015. Collection method: clinical testing. Allele origin: germline.

Athena Diagnostics
Classification: Benign. Last evaluated: 2018-12-26. Review status: criteria provided, single submitter. Criteria: Athena Diagnostics Criteria. Collection method: clinical testing. Allele origin: germline.

CHEO Genetics Diagnostic Laboratory, Children's Hospital of Eastern Ontario
Classification: Benign for Cardiomyopathy. Last evaluated: 2018-03-12. Review status: criteria provided, single submitter. Criteria: ACMG Guidelines, 2015. Collection method: clinical testing. Allele origin: germline.

Illumina Laboratory Services, Illumina
Classification: Likely benign for Early-onset myopathy with fatal cardiomyopathy. Last evaluated: 2018-01-13. Review status: criteria provided, single submitter. Criteria: ICSL Variant Classification Criteria 13 December 2019. Collection method: clinical testing. Allele origin: germline.
Comment: This variant was observed in the ICSL laboratory as part of a predisposition screen in an ostensibly healthy population. It had not been previously curated by ICSL or reported in the Human Gene Mutation Database (HGMD: prior to June 1st, 2018), and was therefore a candidate for classification through an automated scoring system. Utilizing variant allele frequency, disease prevalence and penetrance estimates, and inheritance mode, an automated score was calculated to assess if this variant is too frequent to cause the disease. Based on the score and internal cut-off values, a variant classified as likely benign is not then subjected to further curation. The score for this variant resulted in a classification of likely benign for this disease.

Illumina Laboratory Services, Illumina
Classification: Benign for Tibial muscular dystrophy. Last evaluated: 2018-01-13. Review status: criteria provided, single submitter. Criteria: ICSL Variant Classification Criteria 13 December 2019. Collection method: clinical testing. Allele origin: germline.
Comment: This variant was observed in the ICSL laboratory as part of a predisposition screen in an ostensibly healthy population. It had not been previously curated by ICSL or reported in the Human Gene Mutation Database (HGMD: prior to June 1st, 2018), and was therefore a candidate for classification through an automated scoring system. Utilizing variant allele frequency, disease prevalence and penetrance estimates, and inheritance mode, an automated score was calculated to assess if this variant is too frequent to cause the disease. Based on the score and internal cut-off values, a variant classified as benign is not then subjected to further curation. The score for this variant resulted in a classification of benign for this disease.

Illumina Laboratory Services, Illumina
Classification: Benign for Myopathy, myofibrillar, 9, with early respiratory failure. Last evaluated: 2018-01-13. Review status: criteria provided, single submitter. Criteria: ICSL Variant Classification Criteria 13 December 2019. Collection method: clinical testing. Allele origin: germline.
Comment: the same text as in the submission from Illumina Laboratory Services, Illumina above.

Illumina Laboratory Services, Illumina
Classification: Likely benign for Dilated cardiomyopathy 1G. Last evaluated: 2018-01-13. Review status: criteria provided, single submitter. Criteria: ICSL Variant Classification Criteria 13 December 2019. Collection method: clinical testing. Allele origin: germline.
Comment: the same text as in the submission from Illumina Laboratory Services, Illumina above.

Illumina Laboratory Services, Illumina
Classification: Uncertain significance for Autosomal recessive limb-girdle muscular dystrophy type 2J. Last evaluated: 2018-01-13. Review status: criteria provided, single submitter. Criteria: ICSL Variant Classification Criteria 13 December 2019. Collection method: clinical testing. Allele origin: germline.

Eurofins Ntd Llc (ga)
Classification: Benign. Last evaluated: 2014-11-10. Review status: criteria provided, single submitter. Criteria: EGL Classification Definitions 2015. Collection method: clinical testing. Allele origin: germline. Observed: 1 variant allele, 1 homozygote.

Laboratory for Molecular Medicine, Mass General Brigham Personalized Medicine
Classification: Benign. Last evaluated: 2014-11-06. Review status: criteria provided, single submitter. Criteria: LMM Criteria. Collection method: clinical testing. Allele origin: germline. Observed: 4 variant alleles.
Comment: p.Ser30443Thr in exon 303 of TTN: This variant is not expected to have clinical significance because it has been identified in 2.0% (8/394) of Han Chinese chrom osomes by the 1000 Genomes Project (dbSNP rs78814506) and in 1.1% (94/8730) of E ast Asian chromosomes by the Exome Aggregation Consortium (ExAC).

GeneDx
Classification: Benign. Last evaluated: 2014-01-28. Review status: criteria provided, single submitter. Criteria: GeneDx Variant Classification (06012015). Collection method: clinical testing. Allele origin: germline. Affected: yes.
Comment: This variant is considered likely benign or benign based on one or more of the following criteria: it is a conservative change, it occurs at a poorly conserved position in the protein, it is predicted to be benign by multiple in silico algorithms, and/or has population frequency not consistent with disease.

Ambry Genetics
Classification: Likely benign for Cardiovascular phenotype. Last evaluated: 2013-05-14. Review status: criteria provided, single submitter. Criteria: Ambry Autosomal Dominant and X-Linked criteria (10/2015). Collection method: clinical testing. Allele origin: germline. Observed: 1 variant allele.

Clinical Genetics DNA and cytogenetics Diagnostics Lab, Erasmus MC, Erasmus Medical Center
Classification: Benign. Review status: no assertion criteria provided. Collection method: clinical testing. Allele origin: germline. Affected: yes. Study: VKGL Data-share Consensus. Not counted in ClinVar's aggregate classification.

Clinical Genetics, Academic Medical Center
Classification: Benign. Review status: no assertion criteria provided. Collection method: clinical testing. Allele origin: germline. Affected: yes. Study: VKGL Data-share Consensus. Not counted in ClinVar's aggregate classification.

Joint Genome Diagnostic Labs from Nijmegen and Maastricht, Radboudumc and MUMC+
Classification: Likely benign. Review status: no assertion criteria provided. Collection method: clinical testing. Allele origin: germline. Affected: yes. Study: VKGL Data-share Consensus. Not counted in ClinVar's aggregate classification.

Literature cited by the submitters: PubMed 28578331 (cited by Athena Diagnostics).

NM_001267550.2(TTN):c.99031T>A (p.Ser33011Thr)

Genes: TTN (titin; minus strand), TTN-AS1 (TTN antisense RNA 1; plus strand). Cytogenetic location: 2q31.2.
Variant type: single nucleotide variant.
Coding change: c.99031T>A on transcript NM_001267550.2 (MANE Select); coding-DNA position 99031, T replaced by A.
Protein change: p.Ser33011Thr; replaces serine 33011 with threonine.
Molecular consequence: missense variant. On other transcripts: non-coding transcript variant (1).
Genome position (GRCh38, 1-based): chr2:178,538,798, A>T on the plus strand (T>A on the coding strand, the complement: TTN is on the minus strand). VCF-style: chr2-178538798-A-T. GRCh37 (hg19) VCF-style: chr2-179403525-A-T.
Other names: p.S31370T:TCC>ACC; c.94108T>A, p.Ser31370Thr (NM_001256850.1); c.91327T>A, p.Ser30443Thr (NM_133378.4); c.71836T>A, p.Ser23946Thr (NM_003319.4); c.72211T>A, p.Ser24071Thr (NM_133432.3); c.72412T>A, p.Ser24138Thr (NM_133437.4); short protein forms S33011T, S30443T, S31370T, S23946T, S24071T, S24138T.
Identifiers: ClinVar variation 47611 (VCV000047611.32), dbSNP rs78814506, ClinGen allele CA284189.
Genomic context (GRCh38, chr2:178,538,798, plus strand): 5'-GAATTTCTTTACCACCATCACATTCAGGTTTCTCCCACTGTAGAGTGACACTATCTTTGG[A>T]TATTGAAAGAATCTCAAGTTCTCCTGGTTGGCTTGGTTTATCTGAAATATTTTAAAATAA-3'
Protein context (NP_001254479.2, residues 33001-33021): QPGELEILSI[Ser33011Thr]KDSVTLQWEK